The following is an entry in ClinVar:

ClinVar aggregate classification (germline): Uncertain significance. Review status: criteria provided, multiple submitters, no conflicts (2 of 4 stars). 2 submissions from 2 submitters: Uncertain significance (2). Last evaluated 2023-08-10.

Conditions:
Hereditary cancer-predisposing syndrome. Also called: Neoplastic Syndromes, Hereditary; Hereditary Cancer Syndrome; Tumor predisposition; Hereditary neoplastic syndrome. Identifiers: Orphanet 140162, MedGen C0027672, MeSH D009386, MONDO:0015356.

Allele frequency attached by ClinVar (database versions not stated): gnomAD exomes 0.00001.
gnomAD v4.1: 10 of 1,613,524 alleles (0.00062%); highest among the groups gnomAD compares: Non-Finnish European, 0.00085%; no homozygotes.

Submissions (2):

Labcorp Genetics (formerly Invitae), Labcorp
Classification: Uncertain significance for Hereditary cancer-predisposing syndrome. Last evaluated: 2023-08-10. Review status: criteria provided, single submitter. Criteria: Invitae Variant Classification Sherloc (09022015). Collection method: clinical testing. Allele origin: germline.
Comment: This sequence change replaces threonine, which is neutral and polar, with alanine, which is neutral and non-polar, at codon 235 of the RAD50 protein (p.Thr235Ala). This variant is not present in population databases (gnomAD no frequency). This variant has not been reported in the literature in individuals affected with RAD50-related conditions. ClinVar contains an entry for this variant (Variation ID: 574964). Advanced modeling of protein sequence and biophysical properties (such as structural, functional, and spatial information, amino acid conservation, physicochemical variation, residue mobility, and thermodynamic stability) performed at Invitae indicates that this missense variant is not expected to disrupt RAD50 protein function. In summary, the available evidence is currently insufficient to determine the role of this variant in disease. Therefore, it has been classified as a Variant of Uncertain Significance.

Ambry Genetics
Classification: Uncertain significance for Hereditary cancer-predisposing syndrome. Last evaluated: 2022-09-28. Review status: criteria provided, single submitter. Criteria: Ambry Variant Classification Scheme 2023. Collection method: clinical testing. Allele origin: germline.
Comment: The p.T235A variant (also known as c.703A>G), located in coding exon 5 of the RAD50 gene, results from an A to G substitution at nucleotide position 703. The threonine at codon 235 is replaced by alanine, an amino acid with similar properties. This amino acid position is conserved. In addition, this alteration is predicted to be tolerated by in silico analysis. Since supporting evidence is limited at this time, the clinical significance of this alteration remains unclear.

NM_005732.4(RAD50):c.703A>G (p.Thr235Ala)

Gene: RAD50 (RAD50 double strand break repair protein; plus strand). Cytogenetic location: 5q31.1.
Variant type: single nucleotide variant.
Coding change: c.703A>G on transcript NM_005732.4 (MANE Select); coding-DNA position 703, A replaced by G.
Protein change: p.Thr235Ala; replaces threonine 235 with alanine.
Molecular consequence: missense variant.
Genome position (GRCh38, 1-based): chr5:132,580,013, A>G. VCF-style: chr5-132580013-A-G. GRCh37 (hg19) VCF-style: chr5-131915705-A-G.
Other names: short protein forms T235A.
Identifiers: ClinVar variation 574964 (VCV000574964.12), dbSNP rs1561636294, ClinGen allele CA360936719.